The following is an entry in ClinVar:

ClinVar aggregate classification (germline): Benign/Likely benign. Review status: criteria provided, multiple submitters, no conflicts (2 of 4 stars). 3 submissions from 3 submitters: Benign (1); Likely benign (2). Last evaluated 2025-07-20.

Conditions:
Hereditary nonpolyposis colorectal neoplasms. Identifiers: MedGen C0009405, MeSH D003123.
Hereditary cancer-predisposing syndrome. Also called: Tumor predisposition; Hereditary neoplastic syndrome; Hereditary Cancer Syndrome; Neoplastic Syndromes, Hereditary. Identifiers: Orphanet 140162, MedGen C0027672, MeSH D009386, MONDO:0015356.
Lynch syndrome 5 (LYNCH5). Also called: Hereditary non-polyposis colorectal cancer, type 5; Colorectal cancer, hereditary nonpolyposis, type 5. Identifiers: Orphanet 144, MedGen C1833477, MONDO:0013710, OMIM 614350. Disease mechanism: loss of function.

Allele frequency attached by ClinVar (database versions not stated): TOPMed below 0.00001.

Submissions (3):

Labcorp Genetics (formerly Invitae), Labcorp
Classification: Likely benign for Hereditary nonpolyposis colorectal neoplasms. Last evaluated: 2025-07-20. Review status: criteria provided, single submitter. Criteria: Invitae Variant Classification Sherloc (09022015). Collection method: clinical testing. Allele origin: germline.

Myriad Genetics, Inc.
Classification: Benign for Lynch syndrome 5. Last evaluated: 2025-01-02. Review status: criteria provided, single submitter. Criteria: Myriad Autosomal Dominant, Autosomal Recessive and X-Linked Classification Criteria (2023). Collection method: clinical testing. Allele origin: unknown.
Comment: This variant is considered benign. This variant is a silent/synonymous amino acid change and it is not expected to impact splicing.

Ambry Genetics
Classification: Likely benign for Hereditary cancer-predisposing syndrome. Last evaluated: 2023-07-09. Review status: criteria provided, single submitter. Criteria: Ambry Variant Classification Scheme 2023. Collection method: clinical testing. Allele origin: germline.

NM_000179.3(MSH6):c.2787C>A (p.Pro929=)

Gene: MSH6 (mutS homolog 6; plus strand). Cytogenetic location: 2p16.3.
Variant type: single nucleotide variant.
Coding change: c.2787C>A on transcript NM_000179.3 (MANE Select); coding-DNA position 2787, C replaced by A.
Protein change: p.Pro929=; no amino-acid change (proline 929 retained).
Molecular consequence: synonymous variant.
Genome position (GRCh38, 1-based): chr2:47,800,770, C>A. VCF-style: chr2-47800770-C-A. GRCh37 (hg19) VCF-style: chr2-48027909-C-A.
Other names: c.2787C>A (NM_000179.2); c.2397C>A, p.Pro799= (NM_001281492.2); c.1881C>A, p.Pro627= (NM_001281493.2, NM_001281494.2).
Identifiers: ClinVar variation 1098254 (VCV001098254.12), dbSNP rs768005323, ClinGen allele CA426121699.
Genomic context (GRCh38, chr2:47,800,770, plus strand): 5'-GAACCGATGGGATACAGCCTTTGACCATGAAAAGGCTCGAAAGACTGGACTTATTACTCC[C>A]AAAGCAGGCTTTGACTCTGATTATGACCAAGCTCTTGCTGACATAAGAGAAAATGAACAG-3'
Protein context (NP_000170.1, residues 919-939): EKARKTGLIT[Pro929=]KAGFDSDYDQ